The following is an entry in ClinVar:

NM_152296.5(ATP1A3):c.1124G>A (p.Arg375His)

Gene: ATP1A3 (ATPase Na+/K+ transporting subunit alpha 3; minus strand). Cytogenetic location: 19q13.2.
Variant type: single nucleotide variant.
Coding change: c.1124G>A on transcript NM_152296.5 (MANE Select); coding-DNA position 1124, G replaced by A.
Protein change: p.Arg375His; replaces arginine 375 with histidine.
Molecular consequence: missense variant.
Genome position (GRCh38, 1-based): chr19:41,981,976, C>T on the plus strand (G>A on the coding strand, the complement: ATP1A3 is on the minus strand). VCF-style: chr19-41981976-C-T. GRCh37 (hg19) VCF-style: chr19-42486128-C-T.
Other names: c.1157G>A, p.Arg386His (NM_001256213.2); c.1163G>A, p.Arg388His (NM_001256214.2); c.1124G>A (NM_152296.4); short protein forms R375H, R386H, R388H.
Identifiers: ClinVar variation 520873 (VCV000520873.11), dbSNP rs200891944, ClinGen allele CA406051049.

ClinVar aggregate classification (germline): Conflicting classifications of pathogenicity. Review status: criteria provided, conflicting classifications (1 of 4 stars). 3 submissions from 3 submitters: Likely pathogenic (1); Uncertain significance (2). Last evaluated 2025-11-21.

Conditions:
Inborn genetic diseases. Identifiers: MedGen C0950123, MeSH D030342.
Dystonia 12 (DYT12). Also called: Rapid-Onset Dystonia-Parkinsonism (RDP); DYT-ATP1A3. Identifiers: Orphanet 71517, MedGen C1868681, MONDO:0007496, OMIM 128235.

Allele frequency attached by ClinVar (database versions not stated): gnomAD exomes below 0.00001.
gnomAD v4.1: 1 of 1,614,172 alleles (0.000062%); highest among the groups gnomAD compares: Non-Finnish European, 0.000085%; no homozygotes.

Submissions (3):

GeneDx
Classification: Uncertain significance. Last evaluated: 2025-11-21. Review status: criteria provided, single submitter. Criteria: GeneDx Variant Classification Process June 2021. Collection method: clinical testing. Allele origin: germline. Affected: yes.
Comment: Not observed at significant frequency in large population cohorts (gnomAD); In silico analysis supports that this missense variant has a deleterious effect on protein structure/function; Has not been previously published as pathogenic or benign to our knowledge

Labcorp Genetics (formerly Invitae), Labcorp
Classification: Uncertain significance for Dystonia 12. Last evaluated: 2022-03-30. Review status: criteria provided, single submitter. Criteria: Invitae Variant Classification Sherloc (09022015). Collection method: clinical testing. Allele origin: germline.
Comment: Advanced modeling of protein sequence and biophysical properties (such as structural, functional, and spatial information, amino acid conservation, physicochemical variation, residue mobility, and thermodynamic stability) performed at Invitae indicates that this missense variant is expected to disrupt ATP1A3 protein function. This sequence change replaces arginine, which is basic and polar, with histidine, which is basic and polar, at codon 375 of the ATP1A3 protein (p.Arg375His). This variant is not present in population databases (gnomAD no frequency). This variant has not been reported in the literature in individuals affected with ATP1A3-related conditions. ClinVar contains an entry for this variant (Variation ID: 520873). In summary, the available evidence is currently insufficient to determine the role of this variant in disease. Therefore, it has been classified as a Variant of Uncertain Significance.

Ambry Genetics
Classification: Likely pathogenic for Inborn genetic diseases. Last evaluated: 2016-02-08. Review status: criteria provided, single submitter. Criteria: Ambry exome assertion method (8-5-2015). Collection method: clinical testing. Allele origin: germline. Affected: yes. Observed: 1 variant allele.

Literature cited by the submitters: PubMed 15364580 (cited by Ambry Genetics); PubMed 14499619 (cited by Ambry Genetics).